The following is an entry in ClinVar:

NM_006063.3(KLHL41):c.1460T>C (p.Met487Thr)

Gene: KLHL41 (kelch like family member 41; plus strand). Cytogenetic location: 2q31.1.
Variant type: single nucleotide variant.
Coding change: c.1460T>C on transcript NM_006063.3 (MANE Select); coding-DNA position 1460, T replaced by C.
Protein change: p.Met487Thr; replaces methionine 487 with threonine.
Molecular consequence: missense variant.
Genome position (GRCh38, 1-based): chr2:169,518,273, T>C. VCF-style: chr2-169518273-T-C. GRCh37 (hg19) VCF-style: chr2-170374783-T-C.
Other names: short protein forms M487T.
Identifiers: ClinVar variation 1396048 (VCV001396048.8), dbSNP rs753046029, ClinGen allele CA1956689.

ClinVar aggregate classification (germline): Uncertain significance (1 of 4 stars; one submission).

Conditions:
Nemaline myopathy 9 (NEM9). Identifiers: MedGen C3810384, MONDO:0014326, OMIM 615731.

Allele frequency attached by ClinVar (database versions not stated): ExAC 0.00001; gnomAD 0.00001; gnomAD exomes 0.00002.

Submission:

Labcorp Genetics (formerly Invitae), Labcorp
Classification: Uncertain significance for Nemaline myopathy 9. Last evaluated: 2020-12-09. Review status: criteria provided, single submitter. Criteria: Invitae Variant Classification Sherloc (09022015). Collection method: clinical testing. Allele origin: germline.
Comment: In summary, the available evidence is currently insufficient to determine the role of this variant in disease. Therefore, it has been classified as a Variant of Uncertain Significance. Algorithms developed to predict the effect of missense changes on protein structure and function (SIFT, PolyPhen-2, Align-GVGD) all suggest that this variant is likely to be disruptive, but these predictions have not been confirmed by published functional studies and their clinical significance is uncertain. This variant has not been reported in the literature in individuals with KLHL41-related conditions. This variant is present in population databases (rs753046029, ExAC 0.001%). This sequence change replaces methionine with threonine at codon 487 of the KLHL41 protein (p.Met487Thr). The methionine residue is highly conserved and there is a moderate physicochemical difference between methionine and threonine.